The following is an entry in ClinVar:

NM_004667.6(HERC2):c.9179C>T (p.Thr3060Met)

Gene: HERC2 (HECT and RLD domain containing E3 ubiquitin protein ligase 2; minus strand). Cytogenetic location: 15q13.1.
Variant type: single nucleotide variant.
Coding change: c.9179C>T on transcript NM_004667.6 (MANE Select); coding-DNA position 9179, C replaced by T.
Protein change: p.Thr3060Met; replaces threonine 3060 with methionine.
Molecular consequence: missense variant.
Genome position (GRCh38, 1-based): chr15:28,177,494, G>A on the plus strand (C>T on the coding strand, the complement: HERC2 is on the minus strand). VCF-style: chr15-28177494-G-A. GRCh37 (hg19) VCF-style: chr15-28422640-G-A.
Other names: c.9179C>T (NM_004667.4); short protein forms T3060M.
Identifiers: ClinVar variation 1318474 (VCV001318474.4), dbSNP rs778326297, ClinGen allele CA7441225.

ClinVar aggregate classification (germline): Uncertain significance. Review status: criteria provided, multiple submitters, no conflicts (2 of 4 stars). 3 submissions from 3 submitters: Uncertain significance (3). Last evaluated 2025-02-24.

Conditions:
Developmental delay with autism spectrum disorder and gait instability (MRT38). Also called: Intellectual developmental disorder, autosomal recessive 38. Identifiers: Orphanet 329195, MedGen C3809753, MONDO:0014224, OMIM 615516.
Inborn genetic diseases. Identifiers: MedGen C0950123, MeSH D030342.

Allele frequency attached by ClinVar (database versions not stated): gnomAD exomes 0.00001; ExAC 0.00002; gnomAD 0.00003 and 0.00004; TOPMed 0.00003.
gnomAD v4.1: 47 of 1,614,052 alleles (0.0029%); highest among the groups gnomAD compares: South Asian, 0.0055%; no homozygotes.

Submissions (3):

Ambry Genetics
Classification: Uncertain significance for Inborn genetic diseases. Last evaluated: 2025-02-24. Review status: criteria provided, single submitter. Criteria: Ambry Variant Classification Scheme 2023. Collection method: clinical testing. Allele origin: germline.

Baylor Genetics
Classification: Uncertain significance for Developmental delay with autism spectrum disorder and gait instability. Last evaluated: 2021-05-12. Review status: criteria provided, single submitter. Criteria: ACMG Guidelines, 2015. Collection method: clinical testing. Allele origin: unknown.

GeneDx
Classification: Uncertain significance. Last evaluated: 2020-03-08. Review status: criteria provided, single submitter. Criteria: GeneDx Variant Classification Process June 2021. Collection method: clinical testing. Allele origin: germline. Affected: yes.
Comment: In silico analysis supports that this missense variant does not alter protein structure/function; Has not been previously published as pathogenic or benign to our knowledge